The following is an entry in ClinVar:

ClinVar aggregate classification (germline): Uncertain significance (1 of 4 stars; one submission).

Conditions:
KSR2-related disorder. Also called: KSR2-related condition.

Submission:

PreventionGenetics, part of Exact Sciences
Classification: Uncertain significance for KSR2-related condition. Last evaluated: 2026-05-28. Review status: criteria provided, single submitter. Criteria: ACMG Guidelines, 2015. Collection method: clinical testing. Allele origin: germline.
Comment: The KSR2 c.424_429delinsTCCAGAGAGACC variant is predicted to result in an in-frame deletion and insertion. To our knowledge, this variant has not been reported in the literature or in gnomAD, indicating this variant is rare. At this time, the clinical significance of this variant is uncertain due to the absence of conclusive functional and genetic evidence.

NM_173598.6(KSR2):c.511_516delinsTCCAGAGAGACC (p.Pro171delinsSerArgGlu)

Gene: KSR2 (kinase suppressor of ras 2; minus strand). Cytogenetic location: 12q24.23.
Variant type: Indel.
Coding change: c.511_516delinsTCCAGAGAGACC on transcript NM_173598.6 (MANE Select); coding-DNA positions 511 to 516, CCCACG replaced by TCCAGAGAGACC.
Protein change: p.Pro171delinsSerArgGlu.
Molecular consequence: inframe indel.
Genome position (GRCh38, 1-based): chr12:117,761,481-117,761,486, CGTGGG replaced by GGTCTCTCTGGA on the plus strand (CCCACG replaced by TCCAGAGAGACC on the coding strand, the reverse complement: KSR2 is on the minus strand). VCF-style: chr12-117761481-CGTGGG-GGTCTCTCTGGA. GRCh37 (hg19) VCF-style: chr12-118199286-CGTGGG-GGTCTCTCTGGA.
Identifiers: ClinVar variation 3351448 (VCV003351448.2).